The following is an entry in ClinVar:

NM_001347721.2(DYRK1A):c.1039A>G (p.Thr347Ala)

Gene: DYRK1A (dual specificity tyrosine phosphorylation regulated kinase 1A; plus strand). Cytogenetic location: 21q22.13.
Variant type: single nucleotide variant.
Coding change: c.1039A>G on transcript NM_001347721.2 (MANE Select); coding-DNA position 1039, A replaced by G.
Protein change: p.Thr347Ala; replaces threonine 347 with alanine.
Molecular consequence: missense variant.
Genome position (GRCh38, 1-based): chr21:37,493,131, A>G. VCF-style: chr21-37493131-A-G. GRCh37 (hg19) VCF-style: chr21-38865433-A-G.
Other names: c.1039A>G, p.Thr347Ala (NM_001347722.2, NM_130436.2); c.952A>G, p.Thr318Ala (NM_001347723.2); c.1066A>G, p.Thr356Ala (NM_001396.5, NM_101395.2, NM_130438.2); c.1066A>G (NM_001396.4); short protein forms T356A, T347A, T318A.
Identifiers: ClinVar variation 383473 (VCV000383473.44), dbSNP rs145857775, ClinGen allele CA10023898.
Genomic context (GRCh38, chr21:37,493,131, plus strand): 5'-ATGCCTTATGACCTTGCCATTGATATGTGGTCCCTCGGGTGTATTTTGGTTGAAATGCAC[A>G]CTGGAGAACCTCTGTTCAGTGGTGCCAATGAGGTAAATGATGTATTGCTTTACAAATTCT-3'
Protein context (NP_001334650.1, residues 337-357): SLGCILVEMH[Thr347Ala]GEPLFSGANE

ClinVar aggregate classification (germline): Benign/Likely benign. Review status: criteria provided, multiple submitters, no conflicts (2 of 4 stars). 8 submissions from 8 submitters: Benign (6); Likely benign (2). Last evaluated 2026-05-01.

Conditions:
Inborn genetic diseases. Identifiers: MedGen C0950123, MeSH D030342.
DYRK1A-related intellectual disability syndrome (MRD7). Also called: DYRK1A Syndrome; Intellectual developmental disorder, autosomal dominant 7. Identifiers: Orphanet 464306, MedGen C5568143, MONDO:0013578, OMIM 614104.
DYRK1A-related disorder.

Allele frequency attached by ClinVar (database versions not stated): 1000 Genomes Project 30x 0.00031; 1000 Genomes Project 0.00040; TOPMed 0.00080; ESP Exome Variant Server 0.00146; ExAC 0.00155; gnomAD 0.00176 and 0.00186; gnomAD exomes 0.00195.
gnomAD v4.1: 2,553 of 1,613,524 alleles (0.16%); highest among the groups gnomAD compares: Non-Finnish European, 0.13%; 7 homozygotes.

Submissions (8):

CeGaT Center for Human Genetics Tuebingen
Classification: Likely benign. Last evaluated: 2026-05-01. Review status: criteria provided, single submitter. Criteria: CeGaT Center For Human Genetics Tuebingen Variant Classification Criteria Version 2. Collection method: clinical testing. Allele origin: germline. Affected: yes. Observed: 4 variant alleles.
Comment: DYRK1A: PP2, BS1

PreventionGenetics, part of Exact Sciences
Classification: Benign for DYRK1A-related condition. Last evaluated: 2026-04-08. Review status: criteria provided, single submitter. Criteria: ACMG Guidelines, 2015. Collection method: clinical testing. Allele origin: germline.
Comment: This variant is classified as benign based on ACMG/AMP sequence variant interpretation guidelines (Richards et al. 2015 PMID: 25741868, with internal and published modifications).

Labcorp Genetics (formerly Invitae), Labcorp
Classification: Benign for DYRK1A-related intellectual disability syndrome. Last evaluated: 2026-01-19. Review status: criteria provided, single submitter. Criteria: Invitae Variant Classification Sherloc (09022015). Collection method: clinical testing. Allele origin: germline.

Blueprint Genetics
Classification: Likely benign. Last evaluated: 2024-11-20. Review status: criteria provided, single submitter. Criteria: ACMG Guidelines, 2015. Collection method: clinical testing. Allele origin: germline.

ARUP Laboratories, Molecular Genetics and Genomics, ARUP Laboratories
Classification: Benign for DYRK1A-related intellectual disability syndrome. Last evaluated: 2023-11-22. Review status: criteria provided, single submitter. Criteria: ARUP Molecular Germline Variant Investigation Process 2024. Collection method: clinical testing. Allele origin: germline.

GeneDx
Classification: Benign. Last evaluated: 2017-02-14. Review status: criteria provided, single submitter. Criteria: GeneDx Variant Classification (06012015). Collection method: clinical testing. Allele origin: germline. Affected: yes.
Comment: This variant is considered likely benign or benign based on one or more of the following criteria: it is a conservative change, it occurs at a poorly conserved position in the protein, it is predicted to be benign by multiple in silico algorithms, and/or has population frequency not consistent with disease.

Ambry Genetics
Classification: Benign for Inborn genetic diseases. Last evaluated: 2016-10-19. Review status: criteria provided, single submitter. Criteria: Ambry Variant Classification Scheme 2023. Collection method: clinical testing. Allele origin: germline.

Breakthrough Genomics
Classification: Benign. Review status: criteria provided, single submitter. Criteria: ACMG Guidelines, 2015. Collection method: not provided. Allele origin: germline. Inheritance: Autosomal dominant inheritance. Affected: yes.